The following is an entry in ClinVar:

ClinVar aggregate classification (germline): Benign/Likely benign. Review status: criteria provided, multiple submitters, no conflicts (2 of 4 stars). 3 submissions from 3 submitters: Benign (2); Likely benign (1). Last evaluated 2026-03-03.

Conditions:
RINT1-related disorder. Also called: RINT1-related condition.

Allele frequency attached by ClinVar (database versions not stated): TOPMed 0.00037; gnomAD 0.00046 and 0.00048; 1000 Genomes Project 30x 0.00047; 1000 Genomes Project 0.00060; gnomAD exomes 0.00007 and 0.00011; ExAC 0.00010; ESP Exome Variant Server 0.00015.
gnomAD v4.1: 168 of 1,614,098 alleles (0.01%); highest among the groups gnomAD compares: African/African-American, 0.16%; 1 homozygote.

Submissions (3):

PreventionGenetics, part of Exact Sciences
Classification: Likely benign for RINT1-related condition. Last evaluated: 2026-03-03. Review status: criteria provided, single submitter. Criteria: ACMG Guidelines, 2015. Collection method: clinical testing. Allele origin: germline.
Comment: This variant is classified as likely benign based on ACMG/AMP sequence variant interpretation guidelines (Richards et al. 2015 PMID: 25741868, with internal and published modifications).

Labcorp Genetics (formerly Invitae), Labcorp
Classification: Benign. Last evaluated: 2025-11-10. Review status: criteria provided, single submitter. Criteria: Invitae Variant Classification Sherloc (09022015). Collection method: clinical testing. Allele origin: germline.

Ambry Genetics
Classification: Benign. Last evaluated: 2020-09-15. Review status: criteria provided, single submitter. Criteria: Ambry Variant Classification Scheme 2023. Collection method: clinical testing. Allele origin: germline.

NM_021930.6(RINT1):c.783G>A (p.Pro261=)

Gene: RINT1 (RAD50 interactor 1; plus strand). Cytogenetic location: 7q22.3.
Variant type: single nucleotide variant.
Coding change: c.783G>A on transcript NM_021930.6 (MANE Select); coding-DNA position 783, G replaced by A.
Protein change: p.Pro261=; no amino-acid change (proline 261 retained).
Molecular consequence: synonymous variant. On other transcripts: 5 prime UTR variant (2), non-coding transcript variant (1), intron variant (1).
Genome position (GRCh38, 1-based): chr7:105,547,277, G>A. VCF-style: chr7-105547277-G-A. GRCh37 (hg19) VCF-style: chr7-105187724-G-A.
Other names: c.549G>A, p.Pro183= (NM_001346599.2); c.-237G>A (NM_001346600.2); c.-140G>A (NM_001346601.2); c.-27-2778G>A (NM_001346603.2); c.783G>A (NM_021930.5).
Identifiers: ClinVar variation 416398 (VCV000416398.15), dbSNP rs144905970, ClinGen allele CA4426526.
Genomic context (GRCh38, chr7:105,547,277, plus strand): 5'-GCCATTCATCGCACCCCCTCAATCACAAACTGTTGGCTTAAGTCGACCTGCCAGTGCCCC[G>A]GAGATATACAGTTACCTGGAGACACTGTTTTGTCAGCTTTTGAAACTACAAACCTCGTAT-3'
Protein context (NP_068749.3, residues 251-271): TVGLSRPASA[Pro261=]EIYSYLETLF